The following is an entry in ClinVar:

NM_001291415.2(KDM6A):c.250A>G (p.Ile84Val)

Gene: KDM6A (lysine demethylase 6A; plus strand). Cytogenetic location: Xp11.3.
Variant type: single nucleotide variant.
Coding change: c.250A>G on transcript NM_001291415.2 (MANE Select); coding-DNA position 250, A replaced by G.
Protein change: p.Ile84Val; replaces isoleucine 84 with valine.
Molecular consequence: missense variant. On other transcripts: 5 prime UTR variant (1), non-coding transcript variant (1).
Genome position (GRCh38, 1-based): chrX:44,961,308, A>G. VCF-style: chrX-44961308-A-G. GRCh37 (hg19) VCF-style: chrX-44820553-A-G.
Other names: c.250A>G, p.Ile84Val (NM_001291416.2, NM_001291417.2, NM_001291418.2 and 1 more transcripts); c.-383A>G (NM_001291421.2); short protein forms I84V.
Identifiers: ClinVar variation 488374 (VCV000488374.7), dbSNP rs1373790479, ClinGen allele CA413020841.
Genomic context (GRCh38, chrX:44,961,308, plus strand): 5'-TTTTTTGCTTACATATTTGTATTTTTTTATTTCTAGGCTGTTCGCTGCTATGAATCTCTA[A>G]TCTTAAAAGCTGAAGGAAAAGTGGAGTCTGATTTCTTTTGTCAATTAGGTCACTTCAACC-3'
Protein context (NP_001278344.1, residues 74-94): GKAVRCYESL[Ile84Val]LKAEGKVESD

ClinVar aggregate classification (germline): Uncertain significance. Review status: criteria provided, single submitter (1 of 4 stars). 3 submissions from 3 submitters: Uncertain significance (1). 2 of the submissions do not count toward it. Last evaluated 2023-04-12.

Conditions:
Kabuki syndrome 2 (KABUK2). Also called: KDM6A-Related Kabuki Syndrome. Identifiers: Orphanet 2322, MedGen C3275495, MONDO:0010465, OMIM 300867.
CHARGE syndrome (CHARGE). Also called: Hittner Hirsch Kreh syndrome; CHARGE ASSOCIATION--COLOBOMA, HEART ANOMALY, CHOANAL ATRESIA, RETARDATION, GENITAL AND EAR ANOMALIES; Coloboma, heart anomaly, choanal atresia, retardation, genital and ear anomalies; CHARGE association; Hall-Hittner syndrome. Identifiers: Orphanet 138, MedGen C0265354, MONDO:0008965.

Allele frequency attached by ClinVar (database versions not stated): gnomAD exomes 0.00001; TOPMed 0.00001.

Submissions (3):

Labcorp Genetics (formerly Invitae), Labcorp
Classification: Uncertain significance for Kabuki syndrome 2. Last evaluated: 2023-04-12. Review status: criteria provided, single submitter. Criteria: Invitae Variant Classification Sherloc (09022015). Collection method: clinical testing. Allele origin: germline.
Comment: In summary, the available evidence is currently insufficient to determine the role of this variant in disease. Therefore, it has been classified as a Variant of Uncertain Significance. Advanced modeling of protein sequence and biophysical properties (such as structural, functional, and spatial information, amino acid conservation, physicochemical variation, residue mobility, and thermodynamic stability) has been performed at Invitae for this missense variant, however the output from this modeling did not meet the statistical confidence thresholds required to predict the impact of this variant on KDM6A protein function. ClinVar contains an entry for this variant (Variation ID: 488374). This variant has not been reported in the literature in individuals affected with KDM6A-related conditions. This variant is not present in population databases (gnomAD no frequency). This sequence change replaces isoleucine, which is neutral and non-polar, with valine, which is neutral and non-polar, at codon 84 of the KDM6A protein (p.Ile84Val).

Sbielas Lab-Department of Human Genetics University of Michigan, University of Michigan Medical School
Classification: Uncertain significance for Kabuki syndrome 2. Last evaluated: 2017-10-27. Review status: no assertion criteria provided. Collection method: research. Allele origin: maternal. Affected: yes. Not counted in ClinVar's aggregate classification.

University of Washington Center for Mendelian Genomics, University of Washington
Classification: Likely pathogenic for CHARGE syndrome. Review status: no assertion criteria provided. Collection method: research. Allele origin: inherited. Affected: yes. Not counted in ClinVar's aggregate classification.

Literature cited by the submitters: PubMed 29300383 (cited by Sbielas Lab-Department of Human Genetics University of Michigan, University of Michigan Medical School and University of Washington Center for Mendelian Genomics, University of Washington).